The following is an entry in ClinVar:

ClinVar aggregate classification (germline): Likely pathogenic (1 of 4 stars; one submission).

Submission:

Labcorp Genetics (formerly Invitae), Labcorp
Classification: Likely pathogenic. Last evaluated: 2024-04-14. Review status: criteria provided, single submitter. Criteria: Invitae Variant Classification Sherloc (09022015). Collection method: clinical testing. Allele origin: germline.
Comment: This sequence change affects an acceptor splice site in intron 43 of the COL11A1 gene. It is expected to disrupt RNA splicing. Variants that disrupt the donor or acceptor splice site typically lead to a loss of protein function (PMID: 16199547), and loss-of-function variants in COL11A1 are known to be pathogenic (PMID: 20513134, 21035103, 23922384, 25240749, 32427345, 32756486). This variant is not present in population databases (gnomAD no frequency). Disruption of this splice site has been observed in individual(s) with Marshall syndrome (PMID: 10486316). Algorithms developed to predict the effect of sequence changes on RNA splicing suggest that this variant may disrupt the consensus splice site. In summary, the currently available evidence indicates that the variant is pathogenic, but additional data are needed to prove that conclusively. Therefore, this variant has been classified as Likely Pathogenic.

Literature cited by the submitters: PubMed 16199547; PubMed 20513134; PubMed 21035103; PubMed 23922384; PubMed 25240749; PubMed 32427345; PubMed 32756486; PubMed 10486316.

NM_001854.4(COL11A1):c.3385-2A>C

Gene: COL11A1 (collagen type XI alpha 1 chain; minus strand). Cytogenetic location: 1p21.1.
Variant type: single nucleotide variant.
Coding change: c.3385-2A>C on transcript NM_001854.4 (MANE Select); the canonical splice acceptor site of the intron before coding-DNA position 3385, A replaced by C.
Molecular consequence: splice acceptor variant.
Genome position (GRCh38, 1-based): chr1:102,939,090, T>G on the plus strand (A>C on the coding strand, the complement: COL11A1 is on the minus strand). VCF-style: chr1-102939090-T-G. GRCh37 (hg19) VCF-style: chr1-103404646-T-G.
Other names: c.3268-2A>C (NM_001190709.2); c.3421-2A>C (NM_080629.3); c.3037-2A>C (NM_080630.4).
Identifiers: ClinVar variation 2769952 (VCV002769952.3), dbSNP rs2524726100, ClinGen allele CA341169412.